The following is an entry in ClinVar:

ClinVar aggregate classification (germline): Likely benign (1 of 4 stars; one submission).

Allele frequency attached by ClinVar (database versions not stated): gnomAD exomes 0.00003; TOPMed 0.00004; gnomAD 0.00005 and 0.00006; 1000 Genomes Project 30x 0.00016; 1000 Genomes Project 0.00020.
gnomAD v4.1: 24 of 1,549,880 alleles (0.0015%); highest among the groups gnomAD compares: South Asian, 0.0036%; no homozygotes.

Submission:

Laboratory for Molecular Medicine, Mass General Brigham Personalized Medicine
Classification: Likely benign. Last evaluated: 2015-08-06. Review status: criteria provided, single submitter. Criteria: LMM Criteria. Collection method: clinical testing. Allele origin: germline. Observed: 1 variant allele.
Comment: p.Gly1835Ser in exon 35 of OTOG: This variant is not expected to have clinical s ignificance due to a lack of conservation across species, including mammals. Of note, 6 mammals have a serine (Ser) at this position despite high nearby amino a cid conservation. In addition, computational prediction tools do not suggest a h igh likelihood of impact to the protein.

NM_001292063.2(OTOG):c.5467G>A (p.Gly1823Ser)

Gene: OTOG (otogelin; plus strand). Cytogenetic location: 11p15.1.
Variant type: single nucleotide variant.
Coding change: c.5467G>A on transcript NM_001292063.2 (MANE Select); coding-DNA position 5467, G replaced by A.
Protein change: p.Gly1823Ser; replaces glycine 1823 with serine.
Molecular consequence: missense variant.
Genome position (GRCh38, 1-based): chr11:17,610,767, G>A. VCF-style: chr11-17610767-G-A. GRCh37 (hg19) VCF-style: chr11-17632314-G-A.
Other names: c.5503G>A, p.Gly1835Ser (NM_001277269.2); short protein forms G1835S, G1823S.
Identifiers: ClinVar variation 227786 (VCV000227786.5), dbSNP rs539129544, ClinGen allele CA10576870.